The following is an entry in ClinVar:

ClinVar aggregate classification (germline): Uncertain significance (1 of 4 stars; one submission).

Conditions:
Norman-Roberts syndrome (LIS2). Also called: Lissencephaly 2 (Norman-Roberts type). Identifiers: Orphanet 89844, MedGen C0796089, MONDO:0009760, OMIM 257320.
Familial temporal lobe epilepsy 7. Identifiers: Orphanet 101046, MedGen C4225327, MONDO:0014639, OMIM 616436.

Submission:

Labcorp Genetics (formerly Invitae), Labcorp
Classification: Uncertain significance for Familial temporal lobe epilepsy 7; Norman-Roberts syndrome. Last evaluated: 2020-02-04. Review status: criteria provided, single submitter. Criteria: Invitae Variant Classification Sherloc (09022015). Collection method: clinical testing. Allele origin: germline.
Comment: In summary, the available evidence is currently insufficient to determine the role of this variant in disease. Therefore, it has been classified as a Variant of Uncertain Significance. Experimental studies and prediction algorithms are not available or were not evaluated, and the functional significance of this variant is currently unknown. This variant has not been reported in the literature in individuals with RELN-related conditions. This variant is not present in population databases (ExAC no frequency). This variant, c.5418_5420del, results in the deletion of 1 amino acid(s) of the RELN protein (p.Asp1807del), but otherwise preserves the integrity of the reading frame.

NM_005045.4(RELN):c.5418_5420del (p.Asp1807del)

Gene: RELN (reelin; minus strand). Cytogenetic location: 7q22.1.
Variant type: Deletion.
Coding change: c.5418_5420del on transcript NM_005045.4 (MANE Select); coding-DNA positions 5418 to 5420, 3 bases deleted (CGA; older notation c.5418_5420delCGA).
Protein change: p.Asp1807del; deletes aspartic acid 1807.
Molecular consequence: inframe deletion.
Genome position (GRCh38, 1-based): chr7:103,561,641-103,561,643, TCG deleted on the plus strand (CGA on the coding strand, the reverse complement: RELN is on the minus strand); deleting any 3 consecutive bases within chr7:103,561,641-103,561,645 gives the same sequence; the c. name uses the placement nearest the transcript's 3' end. VCF-style (leftmost placement, unchanged base first): chr7-103561640-ATCG-A. GRCh37 (hg19) VCF-style: chr7-103202087-ATCG-A.
Other names: c.5418_5420del, p.Asp1807del (NM_173054.3); short protein forms D1807del.
Identifiers: ClinVar variation 1001260 (VCV001001260.9), dbSNP rs1830643936, ClinGen allele CA1105326932.